The following is an entry in ClinVar:

ClinVar aggregate classification (germline): Uncertain significance. Review status: criteria provided, multiple submitters, no conflicts (2 of 4 stars). 4 submissions from 4 submitters: Uncertain significance (4). Last evaluated 2025-10-13.

Conditions:
Inborn genetic diseases. Identifiers: MedGen C0950123, MeSH D030342.

Allele frequency attached by ClinVar (database versions not stated): gnomAD 0.00001; gnomAD exomes 0.00001; TOPMed 0.00001; ExAC 0.00002.
gnomAD v4.1: 17 of 1,613,968 alleles (0.0011%); highest among the groups gnomAD compares: Non-Finnish European, 0.0014%; no homozygotes.

Submissions (4):

Labcorp Genetics (formerly Invitae), Labcorp
Classification: Uncertain significance. Last evaluated: 2025-10-13. Review status: criteria provided, single submitter. Criteria: Invitae Variant Classification Sherloc (09022015). Collection method: clinical testing. Allele origin: germline.
Comment: This sequence change replaces threonine, which is neutral and polar, with alanine, which is neutral and non-polar, at codon 594 of the XPR1 protein (p.Thr594Ala). This variant is present in population databases (rs759222768, gnomAD 0.0009%). This variant has not been reported in the literature in individuals affected with XPR1-related conditions. ClinVar contains an entry for this variant (Variation ID: 2579435). Invitae Evidence Modeling of protein sequence and biophysical properties (such as structural, functional, and spatial information, amino acid conservation, physicochemical variation, residue mobility, and thermodynamic stability) indicates that this missense variant is not expected to disrupt XPR1 protein function with a negative predictive value of 80%. In summary, the available evidence is currently insufficient to determine the role of this variant in disease. Therefore, it has been classified as a Variant of Uncertain Significance.

Women's Health and Genetics/Laboratory Corporation of America, LabCorp
Classification: Uncertain significance. Last evaluated: 2025-09-08. Review status: criteria provided, single submitter. Criteria: LabCorp Variant Classification Summary - May 2015. Collection method: clinical testing. Allele origin: germline.
Comment: Variant summary: XPR1 c.1780A>G (p.Thr594Ala) results in a non-conservative amino acid change in the encoded protein sequence. Algorithms developed to predict the effect of missense changes on protein structure and function are either unavailable or do not agree on the potential impact of this missense change. The variant allele was found at a frequency of 4e-06 in 251184 control chromosomes. The available data on variant occurrences in the general population are insufficient to allow any conclusion about variant significance. To our knowledge, no occurrence of c.1780A>G in individuals affected with XPR1-related conditions and no experimental evidence demonstrating its impact on protein function have been reported. ClinVar contains an entry for this variant (Variation ID: 2579435). Based on the evidence outlined above, the variant was classified as uncertain significance.

Ambry Genetics
Classification: Uncertain significance for Inborn genetic diseases. Last evaluated: 2024-11-23. Review status: criteria provided, single submitter. Criteria: Ambry Variant Classification Scheme 2023. Collection method: clinical testing. Allele origin: germline.

GeneDx
Classification: Uncertain significance. Last evaluated: 2023-03-05. Review status: criteria provided, single submitter. Criteria: GeneDx Variant Classification Process June 2021. Collection method: clinical testing. Allele origin: germline. Affected: yes.
Comment: Not observed at significant frequency in large population cohorts (gnomAD); In silico analysis supports that this missense variant does not alter protein structure/function; Has not been previously published as pathogenic or benign to our knowledge

NM_004736.4(XPR1):c.1780A>G (p.Thr594Ala)

Gene: XPR1 (xenotropic and polytropic retrovirus receptor 1; plus strand). Cytogenetic location: 1q25.3.
Variant type: single nucleotide variant.
Coding change: c.1780A>G on transcript NM_004736.4 (MANE Select); coding-DNA position 1780, A replaced by G.
Protein change: p.Thr594Ala; replaces threonine 594 with alanine.
Molecular consequence: missense variant. On other transcripts: non-coding transcript variant (1).
Genome position (GRCh38, 1-based): chr1:180,873,914, A>G. VCF-style: chr1-180873914-A-G. GRCh37 (hg19) VCF-style: chr1-180843050-A-G.
Other names: c.1585A>G, p.Thr529Ala (NM_001135669.2); short protein forms T529A, T594A.
Identifiers: ClinVar variation 2579435 (VCV002579435.4), dbSNP rs759222768, ClinGen allele CA1272834.